The following is an entry in ClinVar:

NM_000751.3(CHRND):c.1319A>T (p.Asp440Val)

Gene: CHRND (cholinergic receptor nicotinic delta subunit; plus strand). Cytogenetic location: 2q37.1.
Variant type: single nucleotide variant.
Coding change: c.1319A>T on transcript NM_000751.3 (MANE Select); coding-DNA position 1319, A replaced by T.
Protein change: p.Asp440Val; replaces aspartic acid 440 with valine.
Molecular consequence: missense variant.
Genome position (GRCh38, 1-based): chr2:232,534,290, A>T. VCF-style: chr2-232534290-A-T. GRCh37 (hg19) VCF-style: chr2-233399000-A-T.
Other names: c.1319A>T (NM_000751.1); c.1274A>T, p.Asp425Val (NM_001256657.2); c.737A>T, p.Asp246Val (NM_001311195.2); c.1016A>T, p.Asp339Val (NM_001311196.2); short protein forms D339V, D246V, D425V, D440V.
Identifiers: ClinVar variation 835938 (VCV000835938.10), dbSNP rs373747090, ClinGen allele CA2168322.
Genomic context (GRCh38, chr2:232,534,290, plus strand): 5'-CCCCAGCAAGCTCTGAGCAGGCCCAGCAGGAACTCTTCAATGAGCTGAAGCCAGCTGTGG[A>T]TGGGGCAAACTTCATTGTTAACCACATGAGGGACCAGAACAATTACAATGAGGTAAGGGA-3'
Protein context (NP_000742.1, residues 430-450): ELFNELKPAV[Asp440Val]GANFIVNHMR

ClinVar aggregate classification (germline): Uncertain significance. Review status: criteria provided, multiple submitters, no conflicts (2 of 4 stars). 4 submissions from 4 submitters: Uncertain significance (4). Last evaluated 2025-12-20.

Conditions:
Lethal multiple pterygium syndrome (LMPS). Identifiers: Orphanet 33108, MedGen C1854678, MONDO:0009668, OMIM 253290.
Inborn genetic diseases. Identifiers: MedGen C0950123, MeSH D030342.

Allele frequency attached by ClinVar (database versions not stated): ExAC 0.00004; gnomAD 0.00004 and 0.00005; gnomAD exomes 0.00006 and 0.00014; TOPMed 0.00006; ESP Exome Variant Server 0.00008.
gnomAD v4.1: 217 of 1,614,106 alleles (0.013%); highest among the groups gnomAD compares: Non-Finnish European, 0.017%; no homozygotes.

Submissions (4):

Labcorp Genetics (formerly Invitae), Labcorp
Classification: Uncertain significance for Lethal multiple pterygium syndrome. Last evaluated: 2025-12-20. Review status: criteria provided, single submitter. Criteria: Invitae Variant Classification Sherloc (09022015). Collection method: clinical testing. Allele origin: germline.
Comment: This sequence change replaces aspartic acid, which is acidic and polar, with valine, which is neutral and non-polar, at codon 440 of the CHRND protein (p.Asp440Val). This variant is present in population databases (rs373747090, gnomAD 0.01%). This variant has not been reported in the literature in individuals affected with CHRND-related conditions. ClinVar contains an entry for this variant (Variation ID: 835938). Invitae Evidence Modeling of protein sequence and biophysical properties (such as structural, functional, and spatial information, amino acid conservation, physicochemical variation, residue mobility, and thermodynamic stability) has been performed for this missense variant. However, the output from this modeling did not meet the statistical confidence thresholds required to predict the impact of this variant on CHRND protein function. In summary, the available evidence is currently insufficient to determine the role of this variant in disease. Therefore, it has been classified as a Variant of Uncertain Significance.

GeneDx
Classification: Uncertain significance. Last evaluated: 2025-01-06. Review status: criteria provided, single submitter. Criteria: GeneDx Variant Classification Process June 2021. Collection method: clinical testing. Allele origin: germline. Affected: yes.
Comment: In silico analysis supports that this missense variant has a deleterious effect on protein structure/function; Has not been previously published as pathogenic or benign to our knowledge

Ambry Genetics
Classification: Uncertain significance for Inborn genetic diseases. Last evaluated: 2023-10-13. Review status: criteria provided, single submitter. Criteria: Ambry Variant Classification Scheme 2023. Collection method: clinical testing. Allele origin: germline.

Blueprint Genetics
Classification: Uncertain significance. Last evaluated: 2021-11-19. Review status: criteria provided, single submitter. Criteria: ACMG Guidelines, 2015. Collection method: clinical testing. Allele origin: germline.